The following is an entry in ClinVar:

ClinVar aggregate classification (germline): Uncertain significance (1 of 4 stars; one submission).

Conditions:
Hereditary cancer-predisposing syndrome. Also called: Hereditary neoplastic syndrome; Neoplastic Syndromes, Hereditary; Tumor predisposition; Hereditary Cancer Syndrome. Identifiers: Orphanet 140162, MedGen C0027672, MeSH D009386, MONDO:0015356.

Submission:

Ambry Genetics
Classification: Uncertain significance for Hereditary cancer-predisposing syndrome. Last evaluated: 2025-02-09. Review status: criteria provided, single submitter. Criteria: Ambry Variant Classification Scheme 2023. Collection method: clinical testing. Allele origin: germline.
Comment: The p.Q766E variant (also known as c.2296C>G), located in coding exon 14 of the DICER1 gene, results from a C to G substitution at nucleotide position 2296. The glutamine at codon 766 is replaced by glutamic acid, an amino acid with highly similar properties. This amino acid position is conserved. In addition, this alteration is predicted to be tolerated by in silico analysis. Based on the available evidence, the clinical significance of this variant remains unclear.

NM_177438.3(DICER1):c.2296C>G (p.Gln766Glu)

Gene: DICER1 (dicer 1, ribonuclease III; minus strand). Cytogenetic location: 14q32.13.
Variant type: single nucleotide variant.
Coding change: c.2296C>G on transcript NM_177438.3 (MANE Select); coding-DNA position 2296, C replaced by G.
Protein change: p.Gln766Glu; replaces glutamine 766 with glutamic acid.
Molecular consequence: missense variant. On other transcripts: non-coding transcript variant (6).
Genome position (GRCh38, 1-based): chr14:95,108,464, G>C on the plus strand (C>G on the coding strand, the complement: DICER1 is on the minus strand). VCF-style: chr14-95108464-G-C. GRCh37 (hg19) VCF-style: chr14-95574801-G-C.
Other names: c.2296C>G, p.Gln766Glu (NM_001195573.1, NM_001271282.3, NM_001291628.2 and 12 more transcripts); c.2014C>G, p.Gln672Glu (NM_001395686.1); c.1891C>G, p.Gln631Glu (NM_001395687.1, NM_001395688.1, NM_001395689.1 and 2 more transcripts); c.1729C>G, p.Gln577Glu (NM_001395691.1); c.613C>G, p.Gln205Glu (NM_001395697.1); short protein forms Q577E, Q205E, Q631E, Q766E, Q672E.
Identifiers: ClinVar variation 3840034 (VCV003840034.1).